The following is an entry in ClinVar:

ClinVar aggregate classification (germline): Likely pathogenic. Review status: criteria provided, single submitter (1 of 4 stars). 2 submissions from 1 submitter: Likely pathogenic (2). Last evaluated 2023-08-20.

Conditions:
Dilated cardiomyopathy 1G (CMD1G). Identifiers: Orphanet 154, MedGen C1858763, MONDO:0011400, OMIM 604145.
Autosomal recessive limb-girdle muscular dystrophy type 2J (LGMDR10). Also called: Limb-girdle muscular dystrophy, type 2J; MUSCULAR DYSTROPHY, LIMB-GIRDLE, AUTOSOMAL RECESSIVE 10. Identifiers: Orphanet 140922, MedGen C1837342, MONDO:0012127, OMIM 608807.

Submissions (2):

Labcorp Genetics (formerly Invitae), Labcorp
Classification: Likely pathogenic for Dilated cardiomyopathy 1G; Autosomal recessive limb-girdle muscular dystrophy type 2J. Last evaluated: 2023-08-20. Review status: criteria provided, single submitter. Criteria: Invitae Variant Classification Sherloc (09022015). Collection method: clinical testing. Allele origin: germline.
Comment: This variant results in the deletion of part of exon 292 (c.57111_57111+9del) of the TTN gene. It is expected to disrupt RNA splicing and likely results in a truncated or disrupted TTN protein. In summary, the currently available evidence indicates that the variant is pathogenic, but additional data are needed to prove that conclusively. Therefore, this variant has been classified as Likely Pathogenic. This variant is located in the A band of TTN (PMID: 25589632). Truncating variants in this region are significantly overrepresented in patients affected with dilated cardiomyopathy (PMID: 25589632). Truncating variants in this region have also been reported in individuals affected with autosomal recessive centronuclear myopathy (PMID: 23975875). Algorithms developed to predict the effect of sequence changes on RNA splicing suggest that this variant may disrupt the consensus splice site. ClinVar contains an entry for this variant (Variation ID: 466645). This variant has not been reported in the literature in individuals affected with TTN-related conditions. This variant is not present in population databases (gnomAD no frequency).

Labcorp Genetics (formerly Invitae), Labcorp
Classification: Likely pathogenic for Dilated cardiomyopathy 1G. Last evaluated: 2017-03-16. Review status: criteria provided, single submitter. Criteria: Invitae Variant Classification Sherloc (09022015). Collection method: clinical testing. Allele origin: germline.
Comment: This variant, c.57111_57111+9delGGTAGGAAAA, is a complex sequence change that results in the deletion one nucleotide from exon 292 and the first 9 nucleotides of intron 292 of the TTN mRNA. This is expected to either create a premature translational stop signal (p.Gly19038Valfs*6) or disrupt RNA splicing, and likely results in a disrupted protein product. This variant is found in the A-band of this gene. While this particular variant has not been reported in the literature, truncating variants in the A-band of TTN are significantly overrepresented in patients with dilated cardiomyopathy and are considered to be likely pathogenic for the disease (PMID: 25589632). For these reasons, this variant has been classified as Likely Pathogenic.

Literature cited by the submitters: PubMed 25589632; PubMed 23975875.

NM_001267550.2(TTN):c.57111_57111+9del

Genes: TTN-AS1 (TTN antisense RNA 1; plus strand), TTN (titin; minus strand). Cytogenetic location: 2q31.2.
Variant type: Deletion.
Coding change: c.57111_57111+9del on transcript NM_001267550.2 (MANE Select); coding-DNA position 57111 through 9 bases into the intron after coding-DNA position 57111, 10 bases deleted (GGTAGGAAAA; older notation c.57111_57111+9delGGTAGGAAAA).
Molecular consequence: splice donor variant.
Genome position (GRCh38, 1-based): chr2:178,598,497-178,598,506, TTTTCCTACC deleted on the plus strand (GGTAGGAAAA on the coding strand, the reverse complement: TTN is on the minus strand); deleting any 10 consecutive bases within chr2:178,598,497-178,598,512 gives the same sequence; the c. name uses the placement nearest the transcript's 3' end. VCF-style (leftmost placement, unchanged base first): chr2-178598496-GTTTTCCTACC-G. GRCh37 (hg19) VCF-style: chr2-179463223-GTTTTCCTACC-G.
Other names: c.29916_29916+9del (NM_003319.4); c.30492_30492+9del (NM_133437.4); c.30291_30291+9del (NM_133432.3); c.49407_49407+9del (NM_133378.4); c.52188_52188+9del (NM_001256850.1).
Identifiers: ClinVar variation 466645 (VCV000466645.10), dbSNP rs1553661994, ClinGen allele CA658657153.
Genomic context (GRCh38, chr2:178,598,496, plus strand): 5'-GGGATTGAGAATAACTATGACATTTTTTAGTTTATTCATAGTGCATTTCCTTAGTGCCAA[GTTTTCCTACC>G]TTTTCCCATTCTTCTTTTCCTTCTTCTTTATATTCAACGATGTATCCAGTTACTTTGGAT-3'